The following is an entry in ClinVar:

ClinVar aggregate classification (germline): Uncertain significance (1 of 4 stars; one submission).

gnomAD v4.1: 3 of 1,605,450 alleles (0.00019%); highest among the groups gnomAD compares: Admixed American, 0.005%; no homozygotes.

Submission:

Labcorp Genetics (formerly Invitae), Labcorp
Classification: Uncertain significance. Last evaluated: 2026-01-24. Review status: criteria provided, single submitter. Criteria: Invitae Variant Classification Sherloc (09022015). Collection method: clinical testing. Allele origin: germline.
Comment: This sequence change replaces alanine, which is neutral and non-polar, with threonine, which is neutral and polar, at codon 708 of the ZBTB20 protein (p.Ala708Thr). This variant is present in population databases (no rsID available, gnomAD 0.003%). This variant has not been reported in the literature in individuals affected with ZBTB20-related conditions. Invitae Evidence Modeling of protein sequence and biophysical properties (such as structural, functional, and spatial information, amino acid conservation, physicochemical variation, residue mobility, and thermodynamic stability) indicates that this missense variant is not expected to disrupt ZBTB20 protein function with a negative predictive value of 95%. In summary, the available evidence is currently insufficient to determine the role of this variant in disease. Therefore, it has been classified as a Variant of Uncertain Significance.

NM_001348800.3(ZBTB20):c.2122G>A (p.Ala708Thr)

Gene: ZBTB20 (zinc finger and BTB domain containing 20; minus strand). Cytogenetic location: 3q13.31.
Variant type: single nucleotide variant.
Coding change: c.2122G>A on transcript NM_001348800.3 (MANE Select); coding-DNA position 2122, G replaced by A.
Protein change: p.Ala708Thr; replaces alanine 708 with threonine.
Molecular consequence: missense variant. On other transcripts: non-coding transcript variant (1).
Genome position (GRCh38, 1-based): chr3:114,339,109, C>T on the plus strand (G>A on the coding strand, the complement: ZBTB20 is on the minus strand). VCF-style: chr3-114339109-C-T. GRCh37 (hg19) VCF-style: chr3-114057956-C-T.
Other names: c.2122G>A, p.Ala708Thr (NM_001164342.2, NM_001348803.3, NM_001393393.1 and 1 more transcripts); c.1903G>A, p.Ala635Thr (NM_001164343.2, NM_001164344.4, NM_001164345.4 and 9 more transcripts); short protein forms A635T, A708T.
Identifiers: ClinVar variation 4740729 (VCV004740729.1).